The following is an entry in ClinVar:

NM_001369.3(DNAH5):c.68del (p.Lys23fs)

Gene: DNAH5 (dynein axonemal heavy chain 5; minus strand). Cytogenetic location: 5p15.2.
Variant type: Deletion.
Coding change: c.68del on transcript NM_001369.3 (MANE Select); coding-DNA position 68, one base deleted (A; older notation c.68delA).
Protein change: p.Lys23fs; shifts the reading frame from lysine 23.
Molecular consequence: frameshift variant.
Genome position (GRCh38, 1-based): chr5:13,931,234, T deleted on the plus strand (A on the coding strand, the reverse complement: DNAH5 is on the minus strand); the first of 2 consecutive T bases (chr5:13,931,234-13,931,235); deleting either gives the same sequence. VCF-style (leftmost placement, unchanged base first): chr5-13931233-CT-C. GRCh37 (hg19) VCF-style: chr5-13931342-CT-C.
Other names: short protein forms K23fs.
Identifiers: ClinVar variation 1724104 (VCV001724104.2), dbSNP rs2547183062, ClinGen allele CA2580072150.

ClinVar aggregate classification (germline): Likely pathogenic (1 of 4 stars; one submission).

Conditions:
Primary ciliary dyskinesia 3. Identifiers: Orphanet 244, MedGen C1837618, MONDO:0012085, OMIM 608644.

Submission:

Myriad Genetics, Inc.
Classification: Likely pathogenic for Primary ciliary dyskinesia 3. Last evaluated: 2022-01-25. Review status: criteria provided, single submitter. Criteria: Myriad Women's Health Autosomal Recessive and X-Linked Classification Criteria (2021). Collection method: clinical testing. Allele origin: unknown.
Comment: NM_001369.2(DNAH5):c.68delA(K23Rfs*28) is expected to be pathogenic in the context of DNAH5-related primary ciliary dyskinesia. This variant is predicted to lead to an abnormal or absent protein product due to the creation of a premature termination codon in DNAH5, a gene where loss-of-function variants are known to be pathogenic. Please note: this variant was assessed in the context of healthy population screening.